The following is an entry in ClinVar:

NM_025103.4(IFT74):c.1206+4A>G

Gene: IFT74 (intraflagellar transport 74; plus strand). Cytogenetic location: 9p21.2.
Variant type: single nucleotide variant.
Coding change: c.1206+4A>G on transcript NM_025103.4 (MANE Select); 4 bases into the intron after coding-DNA position 1206, A replaced by G.
Molecular consequence: intron variant.
Genome position (GRCh38, 1-based): chr9:27,047,375, A>G. VCF-style: chr9-27047375-A-G. GRCh37 (hg19) VCF-style: chr9-27047373-A-G.
Other names: c.1206+4A>G (NM_001099223.3, NM_001099222.3, NM_001349928.2).
Identifiers: ClinVar variation 2507326 (VCV002507326.1), dbSNP rs776258075, ClinGen allele CA5015593.

ClinVar aggregate classification (germline): Uncertain significance (1 of 4 stars; one submission).

Allele frequency attached by ClinVar (database versions not stated): gnomAD exomes below 0.00001; ExAC 0.00001.
gnomAD v4.1: 4 of 1,577,922 alleles (0.00025%); highest among the groups gnomAD compares: South Asian, 0.0045%; no homozygotes.

Submission:

GeneDx
Classification: Uncertain significance. Last evaluated: 2022-12-28. Review status: criteria provided, single submitter. Criteria: GeneDx Variant Classification Process June 2021. Collection method: clinical testing. Allele origin: germline. Affected: yes.
Comment: In silico analysis is inconclusive as to whether the variant alters gene splicing. In the absence of RNA/functional studies, the actual effect of this sequence change is unknown.; Has not been previously published as pathogenic or benign to our knowledge